The following is an entry in ClinVar:

NM_000315.4(PTH):c.166C>T (p.Arg56Cys)

Gene: PTH (parathyroid hormone; minus strand). Cytogenetic location: 11p15.3.
Variant type: single nucleotide variant.
Coding change: c.166C>T on transcript NM_000315.4 (MANE Select); coding-DNA position 166, C replaced by T.
Protein change: p.Arg56Cys; replaces arginine 56 with cysteine.
Molecular consequence: missense variant.
Genome position (GRCh38, 1-based): chr11:13,492,587, G>A on the plus strand (C>T on the coding strand, the complement: PTH is on the minus strand). VCF-style: chr11-13492587-G-A. GRCh37 (hg19) VCF-style: chr11-13514134-G-A.
Other names: c.262C>T, p.Arg88Cys (NM_001316352.2); c.166C>T (NM_000315.3); short protein forms R56C, R88C.
Identifiers: ClinVar variation 379458 (VCV000379458.4), dbSNP rs199955107, ClinGen allele CA5893182.

ClinVar aggregate classification (germline): Conflicting classifications of pathogenicity. Review status: criteria provided, conflicting classifications (1 of 4 stars). 3 submissions from 3 submitters: Pathogenic (1); Likely pathogenic (1); Uncertain significance (1). Last evaluated 2026-06-15.

Conditions:
PTH-related disorder. Also called: PTH-related condition.

Allele frequency attached by ClinVar (database versions not stated): gnomAD 0.00001; gnomAD exomes 0.00001; TOPMed 0.00001; ExAC 0.00002.
gnomAD v4.1: 8 of 1,613,958 alleles (0.0005%); highest among the groups gnomAD compares: East Asian, 0.0045%; no homozygotes.

Submissions (3):

PreventionGenetics, part of Exact Sciences
Classification: Uncertain significance for PTH-related condition. Last evaluated: 2026-06-15. Review status: criteria provided, single submitter. Criteria: ACMG Guidelines, 2015. Collection method: clinical testing. Allele origin: germline.
Comment: The PTH c.166C>T variant is predicted to result in the amino acid substitution p.Arg56Cys. This variant has been reported in the homozygous state in three family members with hypoparathyroidism and in an individual with asymptomatic primary hypoparathyroidism (Lee et al. 2015. PubMed ID: 25891861; Andersen et al. 2022. PubMed ID: 35120289). Functional studies suggest that this variant results in decreased binding to the PTH1R receptor (Lee et al. 2015. PubMed ID: 25891861). This variant is reported in 0.0054% of alleles in individuals of East Asian descent in gnomAD. Although we suspect that this variant may be pathogenic, at this time, the clinical significance of this variant is uncertain due to the absence of conclusive functional and genetic evidence.

Blueprint Genetics
Classification: Pathogenic for PTH-related disorders. Last evaluated: 2022-08-12. Review status: criteria provided, single submitter. Criteria: ACMG Guidelines, 2015. Collection method: clinical testing. Allele origin: germline. Affected: yes. Observed: 5 variant alleles.

GeneDx
Classification: Likely pathogenic. Last evaluated: 2016-08-31. Review status: criteria provided, single submitter. Criteria: GeneDx Variant Classification (06012015). Collection method: clinical testing. Allele origin: germline. Affected: yes.
Comment: The R56C variant in the PTH gene has been reported previously in the homozygous state in three siblings with biochemical findings consistent with hypoparathyroidism, one of whom exhibited clinical features including muscle cramps and seizures (Lee et al., 2015). Functional studies demonstrate that the R56C variant results in decreased binding to the PTH1R receptor (Lee et al., 2015). This variant was not observed in approximately 6,500 individuals of European and African American ancestry in the NHLBI Exome Sequencing Project, indicating it is not a common benign variant in these populations. The R56C variant is a non-conservative amino acid substitution, which is likely to impact secondary protein structure as these residues differ in polarity, charge, size and/or other properties. This substitution occurs at a position that is not conserved across species. We interpret R56C as a likely pathogenic variant.